The following is an entry in ClinVar:

NM_021971.4(GMPPB):c.472del (p.Arg158fs)

Gene: GMPPB (GDP-mannose pyrophosphorylase B; minus strand). Cytogenetic location: 3p21.31.
Variant type: Deletion.
Coding change: c.472del on transcript NM_021971.4 (MANE Select); coding-DNA position 472, one base deleted (C; older notation c.472delC).
Protein change: p.Arg158fs; shifts the reading frame from arginine 158.
Molecular consequence: frameshift variant.
Genome position (GRCh38, 1-based): chr3:49,722,685, G deleted on the plus strand (C on the coding strand, the reverse complement: GMPPB is on the minus strand); the first of 2 consecutive G bases (chr3:49,722,685-49,722,686); deleting either gives the same sequence. VCF-style (leftmost placement, unchanged base first): chr3-49722684-CG-C. GRCh37 (hg19) VCF-style: chr3-49760117-CG-C.
Other names: c.472del, p.Arg158fs (NM_013334.4); short protein forms R158fs.
Identifiers: ClinVar variation 4996674 (VCV004996674.1).

ClinVar aggregate classification (germline): Likely pathogenic (1 of 4 stars; one submission).

Conditions:
GMPPB-related disorder. Also called: GMPPB-related condition; GMPPB-related disorders.

Submission:

PreventionGenetics, part of Exact Sciences
Classification: Likely pathogenic for GMPPB-related condition. Last evaluated: 2026-05-19. Review status: criteria provided, single submitter. Criteria: ACMG Guidelines, 2015. Collection method: clinical testing. Allele origin: germline.
Comment: The GMPPB c.472delC variant is predicted to result in a frameshift and premature protein termination (p.Arg158Glyfs*21). To our knowledge, this variant has not been reported in the literature or in a large population database (gnomAD), indicating this variant is rare. Frameshift variants in GMPPB are expected to be pathogenic. This variant is interpreted as likely pathogenic.